The following is an entry in ClinVar:

ClinVar aggregate classification (germline): Uncertain significance. Review status: criteria provided, multiple submitters, no conflicts (2 of 4 stars). 4 submissions from 4 submitters: Uncertain significance (4). Last evaluated 2026-01-30.

Conditions:
Inborn genetic diseases. Identifiers: MedGen C0950123, MeSH D030342.
Mendelian susceptibility to mycobacterial diseases due to complete IL12RB1 deficiency. Also called: IL12RB1 DEFICIENCY; Immunodeficiency 30. Identifiers: Orphanet 319552, MedGen C4013949, MONDO:0013955, OMIM 614891.

Allele frequency attached by ClinVar (database versions not stated): TOPMed 0.00002; gnomAD exomes 0.00003 and 0.00007; ExAC 0.00002.

Submissions (4):

Labcorp Genetics (formerly Invitae), Labcorp
Classification: Uncertain significance for Mendelian susceptibility to mycobacterial diseases due to complete IL12RB1 deficiency. Last evaluated: 2026-01-30. Review status: criteria provided, single submitter. Criteria: Invitae Variant Classification Sherloc (09022015). Collection method: clinical testing. Allele origin: germline.
Comment: This sequence change replaces threonine, which is neutral and polar, with isoleucine, which is neutral and non-polar, at codon 95 of the IL12RB1 protein (p.Thr95Ile). This variant is present in population databases (rs778062013, gnomAD 0.05%). This variant has not been reported in the literature in individuals affected with IL12RB1-related conditions. ClinVar contains an entry for this variant (Variation ID: 1029975). Invitae Evidence Modeling of protein sequence and biophysical properties (such as structural, functional, and spatial information, amino acid conservation, physicochemical variation, residue mobility, and thermodynamic stability) indicates that this missense variant is expected to disrupt IL12RB1 protein function with a positive predictive value of 80%. In summary, the available evidence is currently insufficient to determine the role of this variant in disease. Therefore, it has been classified as a Variant of Uncertain Significance.

Ambry Genetics
Classification: Uncertain significance for Inborn genetic diseases. Last evaluated: 2024-08-04. Review status: criteria provided, single submitter. Criteria: Ambry Variant Classification Scheme 2023. Collection method: clinical testing. Allele origin: germline.

New York Genome Center
Classification: Uncertain significance for Mendelian susceptibility to mycobacterial diseases due to complete IL12RB1 deficiency. Last evaluated: 2020-04-26. Review status: criteria provided, single submitter. Criteria: NYGC Assertion Criteria 2020. Collection method: clinical testing. Allele origin: germline. Observed: 1 heterozygote. Study: CSER-NYCKidSeq.

Baylor Genetics
Classification: Uncertain significance for Mendelian susceptibility to mycobacterial diseases due to complete IL12RB1 deficiency. Last evaluated: 2019-02-15. Review status: criteria provided, single submitter. Criteria: ACMG Guidelines, 2015. Collection method: clinical testing. Allele origin: paternal. Affected: yes.
Comment: This variant was determined to be of uncertain significance according to ACMG Guidelines, 2015 [PMID:25741868].

NM_005535.3(IL12RB1):c.284C>T (p.Thr95Ile)

Gene: IL12RB1 (interleukin 12 receptor subunit beta 1; minus strand). Cytogenetic location: 19p13.11.
Variant type: single nucleotide variant.
Coding change: c.284C>T on transcript NM_005535.3 (MANE Select); coding-DNA position 284, C replaced by T.
Protein change: p.Thr95Ile; replaces threonine 95 with isoleucine.
Molecular consequence: missense variant.
Genome position (GRCh38, 1-based): chr19:18,080,957, G>A on the plus strand (C>T on the coding strand, the complement: IL12RB1 is on the minus strand). VCF-style: chr19-18080957-G-A. GRCh37 (hg19) VCF-style: chr19-18191767-G-A.
Other names: c.284C>T, p.Thr95Ile (NM_001290023.2, NM_153701.3); c.404C>T, p.Thr135Ile (NM_001290024.2); short protein forms T95I, T135I.
Identifiers: ClinVar variation 1029975 (VCV001029975.4), dbSNP rs778062013, ClinGen allele CA9305262.